The following is an entry in ClinVar:

ClinVar aggregate classification (germline): Benign. Review status: criteria provided, multiple submitters, no conflicts (2 of 4 stars). 3 submissions from 3 submitters: Benign (2). 1 of the submissions does not count toward it. Last evaluated 2017-11-15.

Conditions:
ARHGEF4-related disorder. Also called: ARHGEF4-related condition.

Allele frequency attached by ClinVar (database versions not stated): ExAC 0.00193; ESP Exome Variant Server 0.00546; gnomAD 0.00561 and 0.00604; TOPMed 0.00625; 1000 Genomes Project 0.00899; 1000 Genomes Project 30x 0.00968.
gnomAD v4.1: 1,734 of 1,613,738 alleles (0.11%); highest among the groups gnomAD compares: African/African-American, 1.9%; 15 homozygotes.

Submissions (3):

Labcorp Genetics (formerly Invitae), Labcorp
Classification: Benign. Last evaluated: 2017-11-15. Review status: criteria provided, single submitter. Criteria: Invitae Variant Classification Sherloc (09022015). Collection method: clinical testing. Allele origin: germline.

Breakthrough Genomics
Classification: Benign. Review status: criteria provided, single submitter. Criteria: ACMG Guidelines, 2015. Collection method: not provided. Allele origin: germline. Inheritance: Unknown mechanism. Affected: yes.

PreventionGenetics, part of Exact Sciences
Classification: Benign for ARHGEF4-related condition. Last evaluated: 2019-03-05. Review status: no assertion criteria provided. Collection method: clinical testing. Allele origin: germline. Not counted in ClinVar's aggregate classification.
Comment: This variant is classified as benign based on ACMG/AMP sequence variant interpretation guidelines (Richards et al. 2015 PMID: 25741868, with internal and published modifications).

NM_001367493.1(ARHGEF4):c.4248G>A (p.Glu1416=)

Gene: ARHGEF4 (Rho guanine nucleotide exchange factor 4; plus strand). Cytogenetic location: 2q21.1.
Variant type: single nucleotide variant.
Coding change: c.4248G>A on transcript NM_001367493.1 (MANE Select); coding-DNA position 4248, G replaced by A.
Protein change: p.Glu1416=; no amino-acid change (glutamic acid 1416 retained).
Molecular consequence: synonymous variant.
Genome position (GRCh38, 1-based): chr2:131,038,975, G>A. VCF-style: chr2-131038975-G-A. GRCh37 (hg19) VCF-style: chr2-131796548-G-A.
Other names: c.735G>A, p.Glu245= (NM_001375900.1); c.579G>A, p.Glu193= (NM_001375901.1); c.537G>A, p.Glu179= (NM_001375902.1); c.480G>A, p.Glu160= (NM_001375903.1); c.321G>A, p.Glu107= (NM_001375904.1); c.690G>A, p.Glu230= (NM_015320.4).
Identifiers: ClinVar variation 721098 (VCV000721098.6), dbSNP rs114893794, ClinGen allele CA1875075.